The following is an entry in ClinVar:

ClinVar aggregate classification (germline): Uncertain significance. Review status: criteria provided, multiple submitters, no conflicts (2 of 4 stars). 2 submissions from 2 submitters: Uncertain significance (2). Last evaluated 2024-02-13.

Conditions:
Familial cancer of breast. Also called: BREAST CANCER, FAMILIAL; Hereditary breast cancer; hereditary breast carcinoma. Identifiers: Orphanet 227535, MedGen C0346153, MONDO:0016419, OMIM 114480. Disease mechanism: loss of function.
Hereditary cancer-predisposing syndrome. Also called: Neoplastic Syndromes, Hereditary; Tumor predisposition; Hereditary neoplastic syndrome; Hereditary Cancer Syndrome. Identifiers: Orphanet 140162, MedGen C0027672, MeSH D009386, MONDO:0015356.

gnomAD v4.1: 3 of 1,613,724 alleles (0.00019%); highest among the groups gnomAD compares: Non-Finnish European, 0.00025%; no homozygotes.

Submissions (2):

Labcorp Genetics (formerly Invitae), Labcorp
Classification: Uncertain significance for Familial cancer of breast. Last evaluated: 2024-02-13. Review status: criteria provided, single submitter. Criteria: Invitae Variant Classification Sherloc (09022015). Collection method: clinical testing. Allele origin: germline.
Comment: This sequence change replaces arginine, which is basic and polar, with proline, which is neutral and non-polar, at codon 406 of the CHEK2 protein (p.Arg406Pro). This variant is not present in population databases (gnomAD no frequency). This variant has not been reported in the literature in individuals affected with CHEK2-related conditions. An algorithm developed to predict the effect of missense changes on protein structure and function (PolyPhen-2) suggests that this variant is likely to be disruptive. In summary, the available evidence is currently insufficient to determine the role of this variant in disease. Therefore, it has been classified as a Variant of Uncertain Significance.

Ambry Genetics
Classification: Uncertain significance for Hereditary cancer-predisposing syndrome. Last evaluated: 2023-10-21. Review status: criteria provided, single submitter. Criteria: Ambry Variant Classification Scheme 2023. Collection method: clinical testing. Allele origin: germline.
Comment: The p.R406P variant (also known as c.1217G>C), located in coding exon 10 of the CHEK2 gene, results from a G to C substitution at nucleotide position 1217. The arginine at codon 406 is replaced by proline, an amino acid with dissimilar properties. This amino acid position is well conserved in available vertebrate species. In addition, the in silico prediction for this alteration is inconclusive. Since supporting evidence is limited at this time, the clinical significance of this alteration remains unclear.

NM_007194.4(CHEK2):c.1217G>C (p.Arg406Pro)

Gene: CHEK2 (checkpoint kinase 2; minus strand). Cytogenetic location: 22q12.1.
Variant type: single nucleotide variant.
Coding change: c.1217G>C on transcript NM_007194.4 (MANE Select); coding-DNA position 1217, G replaced by C.
Protein change: p.Arg406Pro; replaces arginine 406 with proline.
Molecular consequence: missense variant.
Genome position (GRCh38, 1-based): chr22:28,695,752, C>G on the plus strand (G>C on the coding strand, the complement: CHEK2 is on the minus strand). VCF-style: chr22-28695752-C-G. GRCh37 (hg19) VCF-style: chr22-29091740-C-G.
Other names: c.1346G>C, p.Arg449Pro (NM_001005735.3); c.554G>C, p.Arg185Pro (NM_001257387.3); c.1016G>C, p.Arg339Pro (NM_001349956.3); c.1130G>C, p.Arg377Pro (NM_145862.3); short protein forms R185P, R339P, R377P, R406P, R449P.
Identifiers: ClinVar variation 3226019 (VCV003226019.3), dbSNP rs200649225, ClinGen allele CA411096711.